The following is an entry in ClinVar:

ClinVar aggregate classification (germline): Uncertain significance (1 of 4 stars; one submission).

Allele frequency attached by ClinVar (database versions not stated): TOPMed below 0.00001; gnomAD 0.00001.
gnomAD v4.1: 7 of 1,601,184 alleles (0.00044%); highest among the groups gnomAD compares: Admixed American, 0.01%; no homozygotes.

Submission:

Labcorp Genetics (formerly Invitae), Labcorp
Classification: Uncertain significance. Last evaluated: 2022-07-30. Review status: criteria provided, single submitter. Criteria: Invitae Variant Classification Sherloc (09022015). Collection method: clinical testing. Allele origin: germline.
Comment: This sequence change affects codon 396 of the RTTN mRNA. It is a 'silent' change, meaning that it does not change the encoded amino acid sequence of the RTTN protein. It affects a nucleotide within the consensus splice site. This variant is not present in population databases (gnomAD no frequency). This variant has not been reported in the literature in individuals affected with RTTN-related conditions. Algorithms developed to predict the effect of sequence changes on RNA splicing suggest that this variant is not likely to affect RNA splicing. In summary, the available evidence is currently insufficient to determine the role of this variant in disease. Therefore, it has been classified as a Variant of Uncertain Significance.

NM_173630.4(RTTN):c.1188A>G (p.Thr396=)

Gene: RTTN (rotatin; minus strand). Cytogenetic location: 18q22.2.
Variant type: single nucleotide variant.
Coding change: c.1188A>G on transcript NM_173630.4 (MANE Select); coding-DNA position 1188, A replaced by G.
Protein change: p.Thr396=; no amino-acid change (threonine 396 retained).
Molecular consequence: synonymous variant. On other transcripts: 5 prime UTR variant (1).
Genome position (GRCh38, 1-based): chr18:70,190,539, T>C on the plus strand (A>G on the coding strand, the complement: RTTN is on the minus strand). VCF-style: chr18-70190539-T-C. GRCh37 (hg19) VCF-style: chr18-67857775-T-C.
Other names: c.-1366A>G (NM_001318520.2).
Identifiers: ClinVar variation 1984865 (VCV001984865.1), dbSNP rs763422569, ClinGen allele CA504326654.